The following is an entry in ClinVar:

ClinVar aggregate classification (germline): Likely benign. Review status: criteria provided, multiple submitters, no conflicts (2 of 4 stars). 2 submissions from 2 submitters: Likely benign (2). Last evaluated 2026-03-01.

Allele frequency attached by ClinVar (database versions not stated): gnomAD 0.00004; gnomAD exomes 0.00006 and 0.00008; TOPMed 0.00008; ExAC 0.00010; ESP Exome Variant Server 0.00031.
gnomAD v4.1: 91 of 1,613,962 alleles (0.0056%); highest among the groups gnomAD compares: Non-Finnish European, 0.0076%; no homozygotes.

Submissions (2):

CeGaT Center for Human Genetics Tuebingen
Classification: Likely benign. Last evaluated: 2026-03-01. Review status: criteria provided, single submitter. Criteria: CeGaT Center For Human Genetics Tuebingen Variant Classification Criteria Version 2. Collection method: clinical testing. Allele origin: germline. Affected: yes. Observed: 2 variant alleles.
Comment: SKIC3: BP4, BP7

Labcorp Genetics (formerly Invitae), Labcorp
Classification: Likely benign. Last evaluated: 2025-12-23. Review status: criteria provided, single submitter. Criteria: Invitae Variant Classification Sherloc (09022015). Collection method: clinical testing. Allele origin: germline.

NM_014639.4(SKIC3):c.3291T>G (p.Thr1097=)

Gene: SKIC3 (SKI3 subunit of superkiller complex; minus strand). Cytogenetic location: 5q15.
Variant type: single nucleotide variant.
Coding change: c.3291T>G on transcript NM_014639.4 (MANE Select); coding-DNA position 3291, T replaced by G.
Protein change: p.Thr1097=; no amino-acid change (threonine 1097 retained).
Molecular consequence: synonymous variant.
Genome position (GRCh38, 1-based): chr5:95,502,930, A>C on the plus strand (T>G on the coding strand, the complement: SKIC3 is on the minus strand). VCF-style: chr5-95502930-A-C. GRCh37 (hg19) VCF-style: chr5-94838634-A-C.
Identifiers: ClinVar variation 1534322 (VCV001534322.31), dbSNP rs147256714, ClinGen allele CA3346782.